The following is an entry in ClinVar:

NM_004667.6(HERC2):c.6119G>C (p.Cys2040Ser)

Gene: HERC2 (HECT and RLD domain containing E3 ubiquitin protein ligase 2; minus strand). Cytogenetic location: 15q13.1.
Variant type: single nucleotide variant.
Coding change: c.6119G>C on transcript NM_004667.6 (MANE Select); coding-DNA position 6119, G replaced by C.
Protein change: p.Cys2040Ser; replaces cysteine 2040 with serine.
Molecular consequence: missense variant.
Genome position (GRCh38, 1-based): chr15:28,215,712, C>G on the plus strand (G>C on the coding strand, the complement: HERC2 is on the minus strand). VCF-style: chr15-28215712-C-G. GRCh37 (hg19) VCF-style: chr15-28460858-C-G.
Other names: c.6119G>C (NM_004667.5); short protein forms C2040S.
Identifiers: ClinVar variation 2355645 (VCV002355645.4), dbSNP rs1360924164, ClinGen allele CA391402462.

ClinVar aggregate classification (germline): Uncertain significance. Review status: criteria provided, multiple submitters, no conflicts (2 of 4 stars). 2 submissions from 2 submitters: Uncertain significance (2). Last evaluated 2024-12-04.

Conditions:
Inborn genetic diseases. Identifiers: MedGen C0950123, MeSH D030342.

Allele frequency attached by ClinVar (database versions not stated): gnomAD 0.00001; TOPMed 0.00001.

Submissions (2):

Ambry Genetics
Classification: Uncertain significance for Inborn genetic diseases. Last evaluated: 2024-12-04. Review status: criteria provided, single submitter. Criteria: Ambry Variant Classification Scheme 2023. Collection method: clinical testing. Allele origin: germline.
Comment: The c.6119G>C (p.C2040S) alteration is located in exon 39 (coding exon 38) of the HERC2 gene. This alteration results from a G to C substitution at nucleotide position 6119, causing the cysteine (C) at amino acid position 2040 to be replaced by a serine (S). The in silico prediction for the p.C2040S alteration is inconclusive. Based on insufficient or conflicting evidence, the clinical significance of this alteration remains unclear.

GeneDx
Classification: Uncertain significance. Last evaluated: 2024-04-24. Review status: criteria provided, single submitter. Criteria: GeneDx Variant Classification Process June 2021. Collection method: clinical testing. Allele origin: germline. Affected: yes.
Comment: In silico analysis supports that this missense variant has a deleterious effect on protein structure/function; Has not been previously published as pathogenic or benign to our knowledge